The following is an entry in ClinVar:

NM_001042492.3(NF1):c.5268+3A>T

Gene: NF1 (neurofibromin 1; plus strand). Cytogenetic location: 17q11.2.
Variant type: single nucleotide variant.
Coding change: c.5268+3A>T on transcript NM_001042492.3 (MANE Select); 3 bases into the intron after coding-DNA position 5268, A replaced by T.
Molecular consequence: intron variant.
Genome position (GRCh38, 1-based): chr17:31,326,255, A>T. VCF-style: chr17-31326255-A-T. GRCh37 (hg19) VCF-style: chr17-29653273-A-T.
Other names: c.5205+3A>T (NM_000267.4).
Identifiers: ClinVar variation 1746058 (VCV001746058.2), dbSNP rs2069338868, ClinGen allele CA2580093068.

ClinVar aggregate classification (germline): Uncertain significance (1 of 4 stars; one submission).

Conditions:
Cardiovascular phenotype. Identifiers: MedGen CN230736.
Hereditary cancer-predisposing syndrome. Also called: Hereditary Cancer Syndrome; Neoplastic Syndromes, Hereditary; Tumor predisposition; Hereditary neoplastic syndrome. Identifiers: Orphanet 140162, MedGen C0027672, MeSH D009386, MONDO:0015356.

Submission:

Ambry Genetics
Classification: Uncertain significance for Cardiovascular phenotype; Hereditary cancer-predisposing syndrome. Last evaluated: 2023-04-07. Review status: criteria provided, single submitter. Criteria: Ambry Variant Classification Scheme 2023. Collection method: clinical testing. Allele origin: germline.
Comment: The c.5205+3A>T intronic variant results from an A to T substitution 3 nucleotides after coding exon 36 in the NF1 gene. This nucleotide position is well conserved in available vertebrate species. This alteration has been reported in an individual meeting NIH diagnostic criteria for Neurofibromatosis type 1 (NF1) (Evans DG et al. EBioMedicine, 2016 May;7:212-20). In silico splice site analysis predicts that this alteration will weaken the native splice donor site. RNA studies have demonstrated that this alteration results in a transcript predicted to lead to a protein with an in-frame deletion of 18 amino acids in coding exon 36; however, the exact functional impact of the deleted amino acids are unknown at this time (Evans DG et al. EBioMedicine, 2016 May;7:212-20; Ambry internal data). Since supporting evidence is limited at this time, the clinical significance of this alteration remains unclear.